The following is an entry in ClinVar:

NM_004006.3(DMD):c.930T>C (p.Ser310=)

Gene: DMD (dystrophin; minus strand). Cytogenetic location: Xp21.1.
Variant type: single nucleotide variant.
Coding change: c.930T>C on transcript NM_004006.3 (MANE Select); coding-DNA position 930, T replaced by C.
Protein change: p.Ser310=; no amino-acid change (serine 310 retained).
Molecular consequence: synonymous variant.
Genome position (GRCh38, 1-based): chrX:32,697,900, A>G on the plus strand (T>C on the coding strand, the complement: DMD is on the minus strand). VCF-style: chrX-32697900-A-G. GRCh37 (hg19) VCF-style: chrX-32716017-A-G.
Other names: c.906T>C, p.Ser302= (NM_000109.4); c.918T>C, p.Ser306= (NM_004009.3); c.561T>C, p.Ser187= (NM_004010.3).
Identifiers: ClinVar variation 1604883 (VCV001604883.32), dbSNP rs779577176, ClinGen allele CA10380026.

ClinVar aggregate classification (germline): Likely benign. Review status: criteria provided, multiple submitters, no conflicts (2 of 4 stars). 2 submissions from 2 submitters: Likely benign (2). Last evaluated 2022-12-01.

Conditions:
Duchenne muscular dystrophy (DMD). Also called: MUSCULAR DYSTROPHY, PSEUDOHYPERTROPHIC PROGRESSIVE, DUCHENNE TYPE; Duchenne Muscular Dystrophy (DMD). Identifiers: Orphanet 98896, MedGen C0013264, MONDO:0010679, OMIM 310200.

Allele frequency attached by ClinVar (database versions not stated): gnomAD exomes below 0.00001; ExAC 0.00001; gnomAD 0.00001.
gnomAD v4.1: 2 of 1,208,091 alleles (0.00017%); highest among the groups gnomAD compares: Non-Finnish European, 0.00011%; no homozygotes.

Submissions (2):

CeGaT Center for Human Genetics Tuebingen
Classification: Likely benign. Last evaluated: 2022-12-01. Review status: criteria provided, single submitter. Criteria: CeGaT Center For Human Genetics Tuebingen Variant Classification Criteria Version 2. Collection method: clinical testing. Allele origin: germline. Affected: yes. Observed: 1 variant allele.
Comment: DMD: BP4, BP7

Labcorp Genetics (formerly Invitae), Labcorp
Classification: Likely benign for Duchenne muscular dystrophy. Last evaluated: 2022-08-09. Review status: criteria provided, single submitter. Criteria: Invitae Variant Classification Sherloc (09022015). Collection method: clinical testing. Allele origin: germline.